The following is an entry in ClinVar:

NM_003805.5(CRADD):c.393G>A (p.Trp131Ter)

Gene: CRADD (CARD and death domain containing adaptor protein; plus strand). Cytogenetic location: 12q22.
Variant type: single nucleotide variant.
Coding change: c.393G>A on transcript NM_003805.5 (MANE Select); coding-DNA position 393, G replaced by A.
Protein change: p.Trp131Ter; replaces tryptophan 131 with a stop codon.
Molecular consequence: nonsense. On other transcripts: intron variant (1).
Genome position (GRCh38, 1-based): chr12:93,850,064, G>A. VCF-style: chr12-93850064-G-A. GRCh37 (hg19) VCF-style: chr12-94243840-G-A.
Other names: c.393G>A, p.Trp131Ter (NM_001320099.2); c.299-43986G>A (NM_001320100.2); short protein forms W131*.
Identifiers: ClinVar variation 3233508 (VCV003233508.4), dbSNP rs2540635374, ClinGen allele CA386142495.

ClinVar aggregate classification (germline): Pathogenic/Likely pathogenic. Review status: criteria provided, multiple submitters, no conflicts (2 of 4 stars). 3 submissions from 2 submitters: Pathogenic (2); Likely pathogenic (1). Last evaluated 2024-03-15.

Conditions:
Intellectual developmental disorder, autosomal recessive 34, with variant lissencephaly. Also called: Intellectual disability, autosomal recessive 34. Identifiers: Orphanet 88616, MedGen C3281044, MONDO:0013785, OMIM 614499.
Familial isolated arrhythmogenic right ventricular dysplasia. Identifiers: Orphanet 217656, MedGen C4274968, MONDO:0016342.

Submissions (3):

Fulgent Genetics
Classification: Likely pathogenic for Intellectual developmental disorder, autosomal recessive 34, with variant lissencephaly. Last evaluated: 2024-03-15. Review status: criteria provided, single submitter. Criteria: ACMG Guidelines, 2015. Collection method: clinical testing. Allele origin: germline.

Women's Health and Genetics/Laboratory Corporation of America, LabCorp
Classification: Pathogenic for Intellectual developmental disorder, autosomal recessive 34, with variant lissencephaly. Last evaluated: 2024-03-11. Review status: criteria provided, single submitter. Criteria: LabCorp Variant Classification Summary - May 2015. Collection method: clinical testing. Allele origin: germline.
Comment: Variant summary: CRADD c.393G>A (p.Trp131X) results in a premature termination codon, predicted to cause a truncation of the last 69 amino acids located in the Death domain (IPR000488) of the encoded protein. It is not expected to result in nonsense mediated decay, although at least one pathogenic variant occurs downstream of this position. The variant was absent in 251390 control chromosomes (gnomAD). To our knowledge, no occurrence of c.393G>A in individuals affected with Intellectual disability, autosomal recessive 34 and no experimental evidence demonstrating its impact on protein function have been reported. No submitters have cited clinical-significance assessments for this variant to ClinVar. Based on the evidence outlined above, the variant was classified as pathogenic.

Women's Health and Genetics/Laboratory Corporation of America, LabCorp
Classification: Pathogenic for Familial isolated arrhythmogenic right ventricular dysplasia. Last evaluated: 2024-03-11. Review status: criteria provided, single submitter. Criteria: LabCorp Variant Classification Summary - May 2015. Collection method: clinical testing. Allele origin: germline.